The following is an entry in ClinVar:

NM_005499.3(UBA2):c.365G>A (p.Arg122Gln)

Gene: UBA2 (ubiquitin like modifier activating enzyme 2; plus strand). Cytogenetic location: 19q13.11.
Variant type: single nucleotide variant.
Coding change: c.365G>A on transcript NM_005499.3 (MANE Select); coding-DNA position 365, G replaced by A.
Protein change: p.Arg122Gln; replaces arginine 122 with glutamine.
Molecular consequence: missense variant.
Genome position (GRCh38, 1-based): chr19:34,434,874, G>A. VCF-style: chr19-34434874-G-A. GRCh37 (hg19) VCF-style: chr19-34925779-G-A.
Other names: c.77G>A, p.Arg26Gln (NM_001411139.1); short protein forms R122Q, R26Q.
Identifiers: ClinVar variation 4866290 (VCV004866290.1).

ClinVar aggregate classification (germline): Uncertain significance (1 of 4 stars; one submission).

Conditions:
Inborn genetic diseases. Identifiers: MedGen C0950123, MeSH D030342.

Submission:

Ambry Genetics
Classification: Uncertain significance for Inborn genetic diseases. Last evaluated: 2026-05-21. Review status: criteria provided, single submitter. Criteria: Ambry Variant Classification Scheme 2023. Collection method: clinical testing. Allele origin: germline.
Comment: The c.365G>A (p.R122Q) alteration is located in exon 5 (coding exon 5) of the UBA2 gene. This alteration results from a G to A substitution at nucleotide position 365, causing the arginine (R) at amino acid position 122 to be replaced by a glutamine (Q). This variant was not reported in population-based cohorts in the Genome Aggregation Database (gnomAD). This variant was reported in individual(s) with features consistent with ACCES syndrome (He, 2026). This amino acid position is highly conserved in available vertebrate species. This missense variant is located in a region that has a low rate of benign missense variation (Lek, 2016; Firth, 2009). This alteration is predicted to be deleterious by in silico analysis. Based on insufficient or conflicting evidence, the clinical significance of this alteration remains unclear.